The following is an entry in ClinVar:

ClinVar aggregate classification (germline): Uncertain significance. Review status: criteria provided, multiple submitters, no conflicts (2 of 4 stars). 2 submissions from 2 submitters: Uncertain significance (2). Last evaluated 2021-07-15.

Conditions:
Glutamate formiminotransferase deficiency. Also called: Arakawa syndrome 1; Formiminoglutamic aciduria. Identifiers: Orphanet 51208, MedGen C0268609, MONDO:0009240, OMIM 229100.

Allele frequency attached by ClinVar (database versions not stated): gnomAD 0.00001; TOPMed 0.00003.
gnomAD v4.1: 19 of 1,537,778 alleles (0.0012%); highest among the groups gnomAD compares: East Asian, 0.0099%; no homozygotes.

Submissions (2):

Fulgent Genetics
Classification: Uncertain significance for Glutamate formiminotransferase deficiency. Last evaluated: 2021-07-15. Review status: criteria provided, single submitter. Criteria: ACMG Guidelines, 2015. Collection method: clinical testing. Allele origin: unknown.

Molecular Genetics, Royal Melbourne Hospital
Classification: Uncertain significance for Glutamate formiminotransferase deficiency. Last evaluated: 2021-04-09. Review status: criteria provided, single submitter. Criteria: ACMG Guidelines, 2015. Collection method: clinical testing. Allele origin: germline.
Comment: This sequence change is predicted to replace alanine with valine at codon 368 of the FTCD protein (p.(Ala368Val)). The alanine residue is moderately conserved (100 vertebrates, UCSC), and is located in the cyclodeaminase domain. There is a moderate physicochemical difference between alanine and valine. The variant is present in a single individual in a large population cohort (1/151,690 alleles in gnomAD v3.1), and has not been reported in the relevant medical literature and databases. Multiple lines of computational evidence have conflicting predictions for the missense substitution (3/6 algorithms predict deleterious). Based on the classification scheme RMH Modified ACMG Guidelines v1.3.1, this variant is classified as a VARIANT OF UNCERTAIN SIGNIFICANCE. Following criteria are met: PM2_Supporting.

NM_206965.2(FTCD):c.1103C>T (p.Ala368Val)

Gene: FTCD (formimidoyltransferase cyclodeaminase; minus strand). Cytogenetic location: 21q22.3.
Variant type: single nucleotide variant.
Coding change: c.1103C>T on transcript NM_206965.2 (MANE Select); coding-DNA position 1103, C replaced by T.
Protein change: p.Ala368Val; replaces alanine 368 with valine.
Molecular consequence: missense variant.
Genome position (GRCh38, 1-based): chr21:46,145,574, G>A on the plus strand (C>T on the coding strand, the complement: FTCD is on the minus strand). VCF-style: chr21-46145574-G-A. GRCh37 (hg19) VCF-style: chr21-47565488-G-A.
Other names: c.1103C>T, p.Ala368Val (NM_001320412.2, NM_006657.3); short protein forms A368V.
Identifiers: ClinVar variation 1678565 (VCV001678565.3), dbSNP rs1033001525, ClinGen allele CA321961930.